The following is an entry in ClinVar:

ClinVar aggregate classification (germline): Likely pathogenic. Review status: criteria provided, multiple submitters, no conflicts (2 of 4 stars). 2 submissions from 2 submitters: Likely pathogenic (2). Last evaluated 2025-07-22.

Conditions:
Candidiasis, familial, 8 (CANDF8). Identifiers: Orphanet 1334, MedGen C3714992, MONDO:0014230, OMIM 615527.
TRAF3IP2-related disorder. Also called: TRAF3IP2-related condition.

gnomAD v4.1: 10 of 1,605,880 alleles (0.00062%); highest among the groups gnomAD compares: South Asian, 0.0011%; no homozygotes.

Submissions (3):

Labcorp Genetics (formerly Invitae), Labcorp
Classification: Likely pathogenic for Candidiasis, familial, 8. Last evaluated: 2025-07-22. Review status: criteria provided, single submitter. Criteria: Invitae Variant Classification Sherloc (09022015). Collection method: clinical testing. Allele origin: germline.
Comment: This sequence change affects a donor splice site in intron 4 of the TRAF3IP2 gene. It is expected to disrupt RNA splicing. Variants that disrupt the donor or acceptor splice site typically lead to a loss of protein function (PMID: 16199547), and loss-of-function variants in TRAF3IP2 are known to be pathogenic (PMID: 24120361). This variant is not present in population databases (gnomAD no frequency). This variant has not been reported in the literature in individuals affected with TRAF3IP2-related conditions. ClinVar contains an entry for this variant (Variation ID: 2177771). Algorithms developed to predict the effect of sequence changes on RNA splicing suggest that this variant may disrupt the consensus splice site. In summary, the currently available evidence indicates that the variant is pathogenic, but additional data are needed to prove that conclusively. Therefore, this variant has been classified as Likely Pathogenic.

Blueprint Genetics
Classification: Likely pathogenic for TRAF3IP2-related disorders. Last evaluated: 2023-09-04. Review status: criteria provided, single submitter. Criteria: ACMG Guidelines, 2015. Collection method: clinical testing. Allele origin: germline. Affected: yes. Observed: 1 variant allele.

Dr. Peter K. Rogan Lab, Western University
No classification provided (evidence only). Condition: Melanoma. Review status: no classification provided. Collection method: in vitro. Allele origin: not applicable. Functional consequence: skipped exon, retained intron. Not counted in ClinVar's aggregate classification.

Literature cited by the submitters: PubMed 16199547 (cited by Labcorp Genetics (formerly Invitae), Labcorp); PubMed 24120361 (cited by Labcorp Genetics (formerly Invitae), Labcorp).

NM_147686.4(TRAF3IP2):c.1201+1G>C

Genes: TRAF3IP2 (TRAF3 interacting protein 2; minus strand), TRAF3IP2-AS1 (TRAF3IP2 antisense RNA 1; plus strand). Cytogenetic location: 6q21.
Variant type: single nucleotide variant.
Coding change: c.1201+1G>C on transcript NM_147686.4 (MANE Select); the canonical splice donor site of the intron after coding-DNA position 1201, G replaced by C.
Molecular consequence: splice donor variant.
Genome position (GRCh38, 1-based): chr6:111,575,642, C>G on the plus strand (G>C on the coding strand, the complement: TRAF3IP2 is on the minus strand). VCF-style: chr6-111575642-C-G. GRCh37 (hg19) VCF-style: chr6-111896845-C-G.
Other names: c.1201+1G>C (NM_001164281.3); c.1228+1G>C (NM_147200.3).
Identifiers: ClinVar variation 2177771 (VCV002177771.5), dbSNP rs375800644, ClinGen allele CA3963169.
Genomic context (GRCh38, chr6:111,575,642, plus strand): 5'-CGTCTCAAAAAAAAAAAAAAAAAAAAAGAGGAAGGAGAGAACAATGTTGCAAACAACTTA[C>G]GCAATTCTTCTGGCAAATTGCTTGTTTTTAGAGTTCCTCTGGCTGGAGGGTTGCTAGGGG-3'